The following is an entry in ClinVar:

NM_017841.4(SDHAF2):c.477G>A (p.Glu159=)

Gene: SDHAF2 (succinate dehydrogenase complex assembly factor 2; plus strand). Cytogenetic location: 11q12.2.
Variant type: single nucleotide variant.
Coding change: c.477G>A on transcript NM_017841.4 (MANE Select); coding-DNA position 477, G replaced by A.
Protein change: p.Glu159=; no amino-acid change (glutamic acid 159 retained).
Molecular consequence: synonymous variant.
Genome position (GRCh38, 1-based): chr11:61,446,047, G>A. VCF-style: chr11-61446047-G-A. GRCh37 (hg19) VCF-style: chr11-61213519-G-A.
Identifiers: ClinVar variation 2141437 (VCV002141437.6), dbSNP rs1285661778, ClinGen allele CA474523588.

ClinVar aggregate classification (germline): Benign/Likely benign. Review status: criteria provided, multiple submitters, no conflicts (2 of 4 stars). 3 submissions from 3 submitters: Benign (1); Likely benign (2). Last evaluated 2026-09-30.

Conditions:
Hereditary pheochromocytoma and paraganglioma. Also called: Hereditary pheochromocytoma-paraganglioma; Hereditary paragangliomas and pheochromocytomas; Hereditary Paraganglioma-Pheochromocytoma Syndromes. Identifiers: Orphanet 29072, MedGen C4274332, MONDO:0017366.
Pheochromocytoma/paraganglioma syndrome 2. Also called: SDHAF2-Related Hereditary Paraganglioma-Pheochromocytoma Syndrome; GLOMUS TUMORS, FAMILIAL, 2; Paragangliomas 2; SDHAF2-Related Hereditary Paraganglioma-Pheochromocytoma Syndrome (Paragangliomas 2). Identifiers: Orphanet 29072, MedGen C1866552, MONDO:0011121, OMIM 601650.

Allele frequency attached by ClinVar (database versions not stated): TOPMed below 0.00001; gnomAD 0.00001.
gnomAD v4.1: 1 of 1,614,064 alleles (0.000062%); highest among the groups gnomAD compares: African/African-American, 0.0013%; no homozygotes.

Submissions (3):

Myriad Genetics, Inc.
Classification: Benign for Pheochromocytoma/paraganglioma syndrome 2. Last evaluated: 2026-09-30. Review status: criteria provided, single submitter. Criteria: Myriad Autosomal Dominant, Autosomal Recessive and X-Linked Classification Criteria (2023). Collection method: clinical testing. Allele origin: unknown.
Comment: This variant is considered benign. This variant is a silent/synonymous amino acid change and it is not expected to impact splicing.

Quest Diagnostics Nichols Institute San Juan Capistrano
Classification: Likely benign. Last evaluated: 2025-01-29. Review status: criteria provided, single submitter. Criteria: Quest Diagnostics criteria. Collection method: clinical testing. Allele origin: unknown.

Labcorp Genetics (formerly Invitae), Labcorp
Classification: Likely benign for Hereditary pheochromocytoma and paraganglioma. Last evaluated: 2024-03-06. Review status: criteria provided, single submitter. Criteria: Invitae Variant Classification Sherloc (09022015). Collection method: clinical testing. Allele origin: germline.